The following is an entry in ClinVar:

ClinVar aggregate classification (germline): Uncertain significance. Review status: criteria provided, multiple submitters, no conflicts (2 of 4 stars). 3 submissions from 3 submitters: Uncertain significance (3). Last evaluated 2025-11-19.

Conditions:
MUSK-related disorder. Also called: MUSK-related condition; MUSK-related disorders.
Congenital myasthenic syndrome 9. Also called: Myasthenic syndrome, congenital, 9, associated with acetylcholine receptor deficiency. Identifiers: Orphanet 590, MedGen C4225368, MONDO:0014587, OMIM 616325.
Fetal akinesia deformation sequence 1 (FADS1). Also called: Fetal akinesia sequence; Pena-Shokeir syndrome type I. Identifiers: Orphanet 994, MedGen C1276035, MONDO:0100101, OMIM 208150, HP:0001989.

Allele frequency attached by ClinVar (database versions not stated): gnomAD 0.00001; TOPMed 0.00005.
gnomAD v4.1: 60 of 1,607,446 alleles (0.0037%); highest among the groups gnomAD compares: Non-Finnish European, 0.0046%; no homozygotes.

Submissions (3):

Women's Health and Genetics/Laboratory Corporation of America, LabCorp
Classification: Uncertain significance. Last evaluated: 2025-11-19. Review status: criteria provided, single submitter. Criteria: LabCorp Variant Classification Summary - May 2015. Collection method: clinical testing. Allele origin: germline.
Comment: Variant summary: MUSK c.1360G>A (p.Asp454Asn) results in a conservative amino acid change in the encoded protein sequence. Algorithms developed to predict the effect of missense changes on protein structure and function are either unavailable or do not agree on the potential impact of this missense change. Several computational tools predict a significant impact on normal splicing: Four predict the variant abolishes a 5' splicing donor site. However, these predictions have yet to be confirmed by functional studies. The variant allele was found at a frequency of 2e-05 in 244782 control chromosomes. The available data on variant occurrences in the general population are insufficient to allow any conclusion about variant significance. To our knowledge, no occurrence of c.1360G>A in individuals affected with MUSK-related conditions and no experimental evidence demonstrating its impact on protein function have been reported. ClinVar contains an entry for this variant (Variation ID: 542742). Based on the evidence outlined above, the variant was classified as uncertain significance.

PreventionGenetics, part of Exact Sciences
Classification: Uncertain significance for MUSK-related condition. Last evaluated: 2023-02-09. Review status: criteria provided, single submitter. Criteria: ACMG Guidelines, 2015. Collection method: clinical testing. Allele origin: germline.
Comment: The MUSK c.1360G>A variant is predicted to result in the amino acid substitution p.Asp454Asn. This variant occurs at the last nucleotide position of exon 10 and is predicted to impact splicing based on available splicing prediction programs (Alamut Visual Plus v1.6.1). However, the use of computer prediction programs is not equivalent to functional evidence. To our knowledge, this variant has not been reported in the literature. This variant is reported in 0.010% of alleles in individuals of Ashkenazi Jewish descent in gnomAD. At this time, the clinical significance of this variant is uncertain due to the absence of conclusive functional and genetic evidence.

Labcorp Genetics (formerly Invitae), Labcorp
Classification: Uncertain significance for Congenital myasthenic syndrome 9; Fetal akinesia deformation sequence 1. Last evaluated: 2022-07-06. Review status: criteria provided, single submitter. Criteria: Invitae Variant Classification Sherloc (09022015). Collection method: clinical testing. Allele origin: germline.
Comment: This sequence change replaces aspartic acid, which is acidic and polar, with asparagine, which is neutral and polar, at codon 454 of the MUSK protein (p.Asp454Asn). This variant also falls at the last nucleotide of exon 10, which is part of the consensus splice site for this exon. This variant is present in population databases (rs202239254, gnomAD 0.01%). This variant has not been reported in the literature in individuals affected with MUSK-related conditions. ClinVar contains an entry for this variant (Variation ID: 542742). Algorithms developed to predict the effect of missense changes on protein structure and function are either unavailable or do not agree on the potential impact of this missense change (SIFT: "Deleterious"; PolyPhen-2: "Benign"; Align-GVGD: "Class C15"). Variants that disrupt the consensus splice site are a relatively common cause of aberrant splicing (PMID: 17576681, 9536098). Algorithms developed to predict the effect of sequence changes on RNA splicing suggest that this variant may disrupt the consensus splice site. In summary, the available evidence is currently insufficient to determine the role of this variant in disease. Therefore, it has been classified as a Variant of Uncertain Significance.

Literature cited by the submitters: PubMed 17576681 (cited by Labcorp Genetics (formerly Invitae), Labcorp); PubMed 9536098 (cited by Labcorp Genetics (formerly Invitae), Labcorp).

NM_005592.4(MUSK):c.1360G>A (p.Asp454Asn)

Gene: MUSK (muscle associated receptor tyrosine kinase; plus strand). Cytogenetic location: 9q31.3.
Variant type: single nucleotide variant.
Coding change: c.1360G>A on transcript NM_005592.4 (MANE Select); coding-DNA position 1360, G replaced by A.
Protein change: p.Asp454Asn; replaces aspartic acid 454 with asparagine.
Molecular consequence: missense variant.
Genome position (GRCh38, 1-based): chr9:110,775,963, G>A. VCF-style: chr9-110775963-G-A. GRCh37 (hg19) VCF-style: chr9-113538243-G-A.
Other names: c.1126G>A, p.Ala376Thr (NM_001166280.2); c.1096G>A, p.Ala366Thr (NM_001166281.2); c.124G>A, p.Ala42Thr (NM_001369398.1); short protein forms D454N, A42T, A376T, A366T.
Identifiers: ClinVar variation 542742 (VCV000542742.10), dbSNP rs202239254, ClinGen allele CA5184327.
Genomic context (GRCh38, chr9:110,775,963, plus strand): 5'-TGCAGCAAGCTTCCCAGCATGCATTGGGACCCCACGGCCTGTGCCAGACTGCCACATCTA[G>A]GTAACACAGAGTTCTCCCAAGACTTTGGAGGTTAAGAGAAATTTACTATTTTGAAGAAAC-3'
Protein context (NP_005583.1, residues 444-464): PTACARLPHL[Asp454Asn]YNKENLKTFP